The following is an entry in ClinVar:

ClinVar aggregate classification (germline): Uncertain significance. Review status: criteria provided, multiple submitters, no conflicts (2 of 4 stars). 2 submissions from 2 submitters: Uncertain significance (2). Last evaluated 2025-03-16.

Conditions:
Inborn genetic diseases. Identifiers: MedGen C0950123, MeSH D030342.

Submissions (2):

Ambry Genetics
Classification: Uncertain significance for Inborn genetic diseases. Last evaluated: 2025-03-16. Review status: criteria provided, single submitter. Criteria: Ambry Variant Classification Scheme 2023. Collection method: clinical testing. Allele origin: germline.
Comment: The p.N140S variant (also known as c.419A>G), located in coding exon 1 of the SAMD9L gene, results from an A to G substitution at nucleotide position 419. The asparagine at codon 140 is replaced by serine, an amino acid with highly similar properties. This amino acid position is conserved. In addition, this alteration is predicted to be tolerated by in silico analysis. Based on the available evidence, the clinical significance of this variant remains unclear.

Labcorp Genetics (formerly Invitae), Labcorp
Classification: Uncertain significance. Last evaluated: 2024-02-24. Review status: criteria provided, single submitter. Criteria: Invitae Variant Classification Sherloc (09022015). Collection method: clinical testing. Allele origin: germline.
Comment: This sequence change replaces asparagine, which is neutral and polar, with serine, which is neutral and polar, at codon 140 of the SAMD9L protein (p.Asn140Ser). This variant is not present in population databases (gnomAD no frequency). This variant has not been reported in the literature in individuals affected with SAMD9L-related conditions. Algorithms developed to predict the effect of missense changes on protein structure and function output the following: SIFT: "Not Available"; PolyPhen-2: "Benign"; Align-GVGD: "Not Available". The serine amino acid residue is found in multiple mammalian species, which suggests that this missense change does not adversely affect protein function. In summary, the available evidence is currently insufficient to determine the role of this variant in disease. Therefore, it has been classified as a Variant of Uncertain Significance.

NM_152703.5(SAMD9L):c.419A>G (p.Asn140Ser)

Gene: SAMD9L (sterile alpha motif domain containing 9 like; minus strand). Cytogenetic location: 7q21.2.
Variant type: single nucleotide variant.
Coding change: c.419A>G on transcript NM_152703.5 (MANE Select); coding-DNA position 419, A replaced by G.
Protein change: p.Asn140Ser; replaces asparagine 140 with serine.
Molecular consequence: missense variant.
Genome position (GRCh38, 1-based): chr7:93,135,553, T>C on the plus strand (A>G on the coding strand, the complement: SAMD9L is on the minus strand). VCF-style: chr7-93135553-T-C. GRCh37 (hg19) VCF-style: chr7-92764866-T-C.
Other names: c.419A>G, p.Asn140Ser (NM_001303496.3, NM_001303497.3, NM_001303498.3 and 5 more transcripts); c.419A>G (NM_152703.2); short protein forms N140S.
Identifiers: ClinVar variation 3621805 (VCV003621805.3).